The following is an entry in ClinVar:

NM_000271.5(NPC1):c.3196A>G (p.Thr1066Ala)

Gene: NPC1 (NPC intracellular cholesterol transporter 1; minus strand). Cytogenetic location: 18q11.2.
Variant type: single nucleotide variant.
Coding change: c.3196A>G on transcript NM_000271.5 (MANE Select); coding-DNA position 3196, A replaced by G.
Protein change: p.Thr1066Ala; replaces threonine 1066 with alanine.
Molecular consequence: missense variant.
Genome position (GRCh38, 1-based): chr18:23,536,722, T>C on the plus strand (A>G on the coding strand, the complement: NPC1 is on the minus strand). VCF-style: chr18-23536722-T-C. GRCh37 (hg19) VCF-style: chr18-21116686-T-C.
Other names: short protein forms T1066A.
Identifiers: ClinVar variation 1366015 (VCV001366015.3), dbSNP rs747903100, ClinGen allele CA8912845.

ClinVar aggregate classification (germline): Uncertain significance (1 of 4 stars; one submission).

Conditions:
Niemann-Pick disease, type C1. Also called: NEUROVISCERAL STORAGE DISEASE WITH VERTICAL SUPRANUCLEAR OPHTHALMOPLEGIA; NIEMANN-PICK DISEASE WITH CHOLESTEROL ESTERIFICATION BLOCK; NIEMANN-PICK DISEASE WITHOUT SPHINGOMYELINASE DEFICIENCY; NIEMANN-PICK DISEASE, CHRONIC NEURONOPATHIC FORM; NIEMANN-PICK DISEASE, VARIANT TYPE C1. Identifiers: Orphanet 646, MedGen C3179455, MONDO:0009757, OMIM 257220.

Allele frequency attached by ClinVar (database versions not stated): ExAC 0.00001; gnomAD 0.00001; gnomAD exomes 0.00002 and 0.00008; TOPMed 0.00002.
gnomAD v4.1: 122 of 1,614,070 alleles (0.0076%); highest among the groups gnomAD compares: Non-Finnish European, 0.01%; no homozygotes.

Submission:

Labcorp Genetics (formerly Invitae), Labcorp
Classification: Uncertain significance for Niemann-Pick disease, type C1. Last evaluated: 2022-05-29. Review status: criteria provided, single submitter. Criteria: Invitae Variant Classification Sherloc (09022015). Collection method: clinical testing. Allele origin: germline.
Comment: This sequence change replaces threonine, which is neutral and polar, with alanine, which is neutral and non-polar, at codon 1066 of the NPC1 protein (p.Thr1066Ala). This variant is present in population databases (rs747903100, gnomAD 0.005%). This variant has not been reported in the literature in individuals affected with NPC1-related conditions. ClinVar contains an entry for this variant (Variation ID: 1366015). Algorithms developed to predict the effect of missense changes on protein structure and function are either unavailable or do not agree on the potential impact of this missense change (SIFT: "Tolerated"; PolyPhen-2: "Possibly Damaging"; Align-GVGD: "Class C0"). In summary, the available evidence is currently insufficient to determine the role of this variant in disease. Therefore, it has been classified as a Variant of Uncertain Significance.